The following is an entry in ClinVar:

NM_001013838.3(CARMIL2):c.130C>G (p.Leu44Val)

Gene: CARMIL2 (capping protein regulator and myosin 1 linker 2; plus strand). Cytogenetic location: 16q22.1.
Variant type: single nucleotide variant.
Coding change: c.130C>G on transcript NM_001013838.3 (MANE Select); coding-DNA position 130, C replaced by G.
Protein change: p.Leu44Val; replaces leucine 44 with valine.
Molecular consequence: missense variant.
Genome position (GRCh38, 1-based): chr16:67,645,629, C>G. VCF-style: chr16-67645629-C-G. GRCh37 (hg19) VCF-style: chr16-67679532-C-G.
Other names: c.130C>G, p.Leu44Val (NM_001317026.3); short protein forms L44V.
Identifiers: ClinVar variation 1442324 (VCV001442324.7), dbSNP rs201957532, ClinGen allele CA8112928.

ClinVar aggregate classification (germline): Uncertain significance (1 of 4 stars; one submission).

Allele frequency attached by ClinVar (database versions not stated): ExAC 0.00001; gnomAD 0.00001; TOPMed 0.00001; gnomAD exomes 0.00002; 1000 Genomes Project 0.00020; 1000 Genomes Project 30x 0.00031.
gnomAD v4.1: 9 of 1,613,580 alleles (0.00056%); highest among the groups gnomAD compares: Admixed American, 0.015%; no homozygotes.

Submission:

Labcorp Genetics (formerly Invitae), Labcorp
Classification: Uncertain significance. Last evaluated: 2022-07-06. Review status: criteria provided, single submitter. Criteria: Invitae Variant Classification Sherloc (09022015). Collection method: clinical testing. Allele origin: germline.
Comment: This sequence change replaces leucine, which is neutral and non-polar, with valine, which is neutral and non-polar, at codon 44 of the CARMIL2 protein (p.Leu44Val). This variant is present in population databases (rs201957532, gnomAD 0.01%). This variant has not been reported in the literature in individuals affected with CARMIL2-related conditions. ClinVar contains an entry for this variant (Variation ID: 1442324). Algorithms developed to predict the effect of missense changes on protein structure and function are either unavailable or do not agree on the potential impact of this missense change (SIFT: "Deleterious"; PolyPhen-2: "Possibly Damaging"; Align-GVGD: "Class C0"). In summary, the available evidence is currently insufficient to determine the role of this variant in disease. Therefore, it has been classified as a Variant of Uncertain Significance.